The following is an entry in ClinVar:

ClinVar aggregate classification (germline): Pathogenic. Review status: criteria provided, multiple submitters, no conflicts (2 of 4 stars). 2 submissions from 2 submitters: Pathogenic (2). Last evaluated 2023-05-26.

Conditions:
Juvenile polyposis syndrome (JPS). Identifiers: Orphanet 2929, MedGen C0345893, MONDO:0017380, OMIM 174900.

Submissions (2):

Myriad Genetics, Inc.
Classification: Pathogenic for Juvenile polyposis syndrome. Last evaluated: 2023-05-26. Review status: criteria provided, single submitter. Criteria: Myriad Autosomal Dominant, Autosomal Recessive and X-Linked Classification Criteria (2023). Collection method: clinical testing. Allele origin: unknown.
Comment: This variant is considered pathogenic. This variant creates a frameshift predicted to result in premature protein truncation.

Labcorp Genetics (formerly Invitae), Labcorp
Classification: Pathogenic for Juvenile polyposis syndrome. Last evaluated: 2021-01-04. Review status: criteria provided, single submitter. Criteria: Invitae Variant Classification Sherloc (09022015). Collection method: clinical testing. Allele origin: germline.
Comment: For these reasons, this variant has been classified as Pathogenic. This sequence change creates a premature translational stop signal (p.Thr309Leufs*13) in the BMPR1A gene. It is expected to result in an absent or disrupted protein product. Loss-of-function variants in BMPR1A are known to be pathogenic (PMID: 11536076, 12417513). This variant is not present in population databases (ExAC no frequency). This variant has not been reported in the literature in individuals with BMPR1A-related conditions.

Literature cited by the submitters: PubMed 11536076 (cited by Labcorp Genetics (formerly Invitae), Labcorp); PubMed 12417513 (cited by Labcorp Genetics (formerly Invitae), Labcorp).

NM_004329.3(BMPR1A):c.924del (p.Thr309fs)

Gene: BMPR1A (bone morphogenetic protein receptor type 1A; plus strand). Cytogenetic location: 10q23.2.
Variant type: Deletion.
Coding change: c.924del on transcript NM_004329.3 (MANE Select); coding-DNA position 924, one base deleted (T; older notation c.924delT).
Protein change: p.Thr309fs; shifts the reading frame from threonine 309.
Molecular consequence: frameshift variant.
Genome position (GRCh38, 1-based): chr10:86,919,227, T deleted; the last of 2 consecutive T bases (chr10:86,919,226-86,919,227); deleting either gives the same sequence. VCF-style (leftmost placement, unchanged base first): chr10-86919225-AT-A. GRCh37 (hg19) VCF-style: chr10-88678982-AT-A.
Other names: short protein forms T309fs.
Identifiers: ClinVar variation 1456917 (VCV001456917.8), dbSNP rs2133589910, ClinGen allele CA2573145711.